The following is an entry in ClinVar:

ClinVar aggregate classification (germline): Uncertain significance (1 of 4 stars; one submission).

Conditions:
Cone-rod dystrophy 5 (CORD5). Identifiers: Orphanet 1872, MedGen C1832976, MONDO:0010969, OMIM 600977.

Allele frequency attached by ClinVar (database versions not stated): TOPMed below 0.00001; gnomAD 0.00001.
gnomAD v4.1: 7 of 1,610,910 alleles (0.00043%); highest among the groups gnomAD compares: Non-Finnish European, 0.00059%; no homozygotes.

Submission:

Baylor Genetics
Classification: Uncertain significance for Cone-rod dystrophy 5. Last evaluated: 2018-10-19. Review status: criteria provided, single submitter. Criteria: ACMG Guidelines, 2015. Collection method: clinical testing. Allele origin: maternal. Affected: yes.
Comment: This variant was determined to be of uncertain significance according to ACMG Guidelines, 2015 [PMID:25741868].

NM_031220.4(PITPNM3):c.2305C>T (p.Arg769Trp)

Gene: PITPNM3 (PITPNM family member 3; minus strand). Cytogenetic location: 17p13.2.
Variant type: single nucleotide variant.
Coding change: c.2305C>T on transcript NM_031220.4 (MANE Select); coding-DNA position 2305, C replaced by T.
Protein change: p.Arg769Trp; replaces arginine 769 with tryptophan.
Molecular consequence: missense variant.
Genome position (GRCh38, 1-based): chr17:6,463,733, G>A on the plus strand (C>T on the coding strand, the complement: PITPNM3 is on the minus strand). VCF-style: chr17-6463733-G-A. GRCh37 (hg19) VCF-style: chr17-6367053-G-A.
Other names: c.2197C>T, p.Arg733Trp (NM_001165966.2); short protein forms R769W, R733W.
Identifiers: ClinVar variation 1032920 (VCV001032920.1), dbSNP rs750932326, ClinGen allele CA397402313.